The following is an entry in ClinVar:

NM_001267550.2(TTN):c.88826G>A (p.Arg29609Gln)

Genes: TTN (titin; minus strand), TTN-AS1 (TTN antisense RNA 1; plus strand). Cytogenetic location: 2q31.2.
Variant type: single nucleotide variant.
Coding change: c.88826G>A on transcript NM_001267550.2 (MANE Select); coding-DNA position 88826, G replaced by A.
Protein change: p.Arg29609Gln; replaces arginine 29609 with glutamine.
Molecular consequence: missense variant.
Genome position (GRCh38, 1-based): chr2:178,554,521, C>T on the plus strand (G>A on the coding strand, the complement: TTN is on the minus strand). VCF-style: chr2-178554521-C-T. GRCh37 (hg19) VCF-style: chr2-179419248-C-T.
Other names: p.R27968Q:CGA>CAA; c.83903G>A, p.Arg27968Gln (NM_001256850.1); c.61631G>A, p.Arg20544Gln (NM_003319.4); c.81122G>A, p.Arg27041Gln (NM_133378.4); c.62006G>A, p.Arg20669Gln (NM_133432.3); c.62207G>A, p.Arg20736Gln (NM_133437.4); short protein forms R27968Q, R29609Q, R27041Q, R20544Q, R20736Q, R20669Q.
Identifiers: ClinVar variation 202953 (VCV000202953.3), dbSNP rs758876816, ClinGen allele CA310793.

ClinVar aggregate classification (germline): Uncertain significance. Review status: criteria provided, multiple submitters, no conflicts (2 of 4 stars). 2 submissions from 2 submitters: Uncertain significance (2). Last evaluated 2021-08-10.

Conditions:
Myopathy, myofibrillar, 9, with early respiratory failure (MFM9). Also called: EDSTROM MYOPATHY; MYOPATHY, PROXIMAL, WITH EARLY RESPIRATORY MUSCLE INVOLVEMENT; Myopathy, distal, with early respiratory failure, autosomal dominant; Hereditary myopathy with early respiratory failure. Identifiers: Orphanet 178464, Orphanet 34521, MedGen C1863599, MONDO:0011362, OMIM 603689.
Early-onset myopathy with fatal cardiomyopathy (CMYO5). Also called: CONGENITAL MYOPATHY 5 WITH CARDIOMYOPATHY; Salih Myopathy. Identifiers: Orphanet 289377, MedGen C2673677, MONDO:0012714, OMIM 611705. Disease mechanism: loss of function.
Hypertrophic cardiomyopathy 9. Also called: Familial hypertrophic cardiomyopathy 9. Identifiers: MedGen C1861065, MONDO:0013412, OMIM 613765.
Dilated cardiomyopathy 1G (CMD1G). Identifiers: Orphanet 154, MedGen C1858763, MONDO:0011400, OMIM 604145.
Tibial muscular dystrophy (TMD). Also called: UDD MYOPATHY; Tibial muscular dystrophy, tardive; Udd Distal Myopathy – Tibial Muscular Dystrophy. Identifiers: Orphanet 609, MedGen C1838244, MONDO:0010870, OMIM 600334.
Autosomal recessive limb-girdle muscular dystrophy type 2J (LGMDR10). Also called: MUSCULAR DYSTROPHY, LIMB-GIRDLE, AUTOSOMAL RECESSIVE 10; Limb-girdle muscular dystrophy, type 2J. Identifiers: Orphanet 140922, MedGen C1837342, MONDO:0012127, OMIM 608807.

Allele frequency attached by ClinVar (database versions not stated): gnomAD exomes 0.00001 and 0.00002; ExAC 0.00003.
gnomAD v4.1: 16 of 1,613,524 alleles (0.00099%); highest among the groups gnomAD compares: South Asian, 0.0099%; no homozygotes.

Submissions (2):

Fulgent Genetics
Classification: Uncertain significance for Tibial muscular dystrophy; Myopathy, myofibrillar, 9, with early respiratory failure; Dilated cardiomyopathy 1G; Autosomal recessive limb-girdle muscular dystrophy type 2J; Early-onset myopathy with fatal cardiomyopathy; Hypertrophic cardiomyopathy 9. Last evaluated: 2021-08-10. Review status: criteria provided, single submitter. Criteria: ACMG Guidelines, 2015. Collection method: clinical testing. Allele origin: unknown.

GeneDx
Classification: Uncertain significance. Last evaluated: 2013-03-13. Review status: criteria provided, single submitter. Criteria: GeneDx Variant Classification (06012015). Collection method: clinical testing. Allele origin: germline. Affected: yes.
Comment: Missense variants in the TTN gene are considered 'unclassified' if they are not previously reported in the literature and do not have >1% frequency in the population to be considered a polymorphism. Research indicates that truncating mutations in the TTN gene are expected to account for approximately 25% of familial and 18% of sporadic idiopathic DCM; however, truncating variants in the TTN gene have been reported in approximately 3% of reported control alleles. There has been little investigation into non-truncating variants. (Herman D et al. Truncations of titin causing dilated cardiomyopathy. N Eng J Med 366:619-628, 2012) The variant is found in DCM panel(s).